The following is an entry in ClinVar:

NM_003737.4(DCHS1):c.7452G>T (p.Leu2484Phe)

Gene: DCHS1 (dachsous cadherin-related 1; minus strand). Cytogenetic location: 11p15.4.
Variant type: single nucleotide variant.
Coding change: c.7452G>T on transcript NM_003737.4 (MANE Select); coding-DNA position 7452, G replaced by T.
Protein change: p.Leu2484Phe; replaces leucine 2484 with phenylalanine.
Molecular consequence: missense variant.
Genome position (GRCh38, 1-based): chr11:6,624,224, C>A on the plus strand (G>T on the coding strand, the complement: DCHS1 is on the minus strand). VCF-style: chr11-6624224-C-A. GRCh37 (hg19) VCF-style: chr11-6645455-C-A.
Other names: short protein forms L2484F.
Identifiers: ClinVar variation 3007459 (VCV003007459.3), dbSNP rs770679962, ClinGen allele CA5859598.

ClinVar aggregate classification (germline): Uncertain significance (1 of 4 stars; one submission).

gnomAD v4.1: 18 of 1,613,286 alleles (0.0011%); highest among the groups gnomAD compares: South Asian, 0.019%; 1 homozygote.

Submission:

Labcorp Genetics (formerly Invitae), Labcorp
Classification: Uncertain significance. Last evaluated: 2024-04-09. Review status: criteria provided, single submitter. Criteria: Invitae Variant Classification Sherloc (09022015). Collection method: clinical testing. Allele origin: germline.
Comment: This sequence change replaces leucine, which is neutral and non-polar, with phenylalanine, which is neutral and non-polar, at codon 2484 of the DCHS1 protein (p.Leu2484Phe). This variant is present in population databases (rs770679962, gnomAD 0.02%), including at least one homozygous and/or hemizygous individual. This variant has not been reported in the literature in individuals affected with DCHS1-related conditions. Advanced modeling of protein sequence and biophysical properties (such as structural, functional, and spatial information, amino acid conservation, physicochemical variation, residue mobility, and thermodynamic stability) performed at Invitae indicates that this missense variant is not expected to disrupt DCHS1 protein function with a negative predictive value of 80%. In summary, the available evidence is currently insufficient to determine the role of this variant in disease. Therefore, it has been classified as a Variant of Uncertain Significance.